The following is an entry in ClinVar:

ClinVar aggregate classification (germline): Uncertain significance (1 of 4 stars; one submission).

Conditions:
DICER1-related tumor predisposition. Also called: DICER1-related pleuropulmonary blastoma cancer predisposition syndrome; DICER1 syndrome. Identifiers: Orphanet 284343, MedGen C3839822, MONDO:0100216.

Submission:

Labcorp Genetics (formerly Invitae), Labcorp
Classification: Uncertain significance for DICER1-related tumor predisposition. Last evaluated: 2023-05-04. Review status: criteria provided, single submitter. Criteria: Invitae Variant Classification Sherloc (09022015). Collection method: clinical testing. Allele origin: germline.
Comment: In summary, the available evidence is currently insufficient to determine the role of this variant in disease. Therefore, it has been classified as a Variant of Uncertain Significance. Algorithms developed to predict the effect of sequence changes on RNA splicing suggest that this variant may create or strengthen a splice site. An algorithm developed to predict the effect of missense changes on protein structure and function (PolyPhen-2) suggests that this variant is likely to be disruptive. This variant has not been reported in the literature in individuals affected with DICER1-related conditions. This variant is not present in population databases (gnomAD no frequency). This sequence change replaces aspartic acid, which is acidic and polar, with glycine, which is neutral and non-polar, at codon 1440 of the DICER1 protein (p.Asp1440Gly).

NM_177438.3(DICER1):c.4319A>G (p.Asp1440Gly)

Gene: DICER1 (dicer 1, ribonuclease III; minus strand). Cytogenetic location: 14q32.13.
Variant type: single nucleotide variant.
Coding change: c.4319A>G on transcript NM_177438.3 (MANE Select); coding-DNA position 4319, A replaced by G.
Protein change: p.Asp1440Gly; replaces aspartic acid 1440 with glycine.
Molecular consequence: missense variant. On other transcripts: non-coding transcript variant (6).
Genome position (GRCh38, 1-based): chr14:95,096,601, T>C on the plus strand (A>G on the coding strand, the complement: DICER1 is on the minus strand). VCF-style: chr14-95096601-T-C. GRCh37 (hg19) VCF-style: chr14-95562938-T-C.
Other names: c.4319A>G, p.Asp1440Gly (NM_001195573.1, NM_001271282.3, NM_001291628.2 and 13 more transcripts); c.4037A>G, p.Asp1346Gly (NM_001395686.1); c.3914A>G, p.Asp1305Gly (NM_001395687.1, NM_001395688.1, NM_001395689.1 and 2 more transcripts); c.3752A>G, p.Asp1251Gly (NM_001395691.1); c.2636A>G, p.Asp879Gly (NM_001395697.1); short protein forms D1251G, D879G, D1305G, D1440G, D1346G.
Identifiers: ClinVar variation 2861921 (VCV002861921.3), dbSNP rs2542509737, ClinGen allele CA390869352.
Genomic context (GRCh38, chr14:95,096,601, plus strand): 5'-GACCCCATTAACATATTATCTATAAATCTGATATGTTCCTGATCATACTCCAGGAAATCA[T>C]CTTCATAGTCAGCCTCTTCCTTCGGAGCCCTCCACATCAGGCTCTCCTCCTCCTCATCCT-3'
Protein context (NP_803187.1, residues 1430-1450): RAPKEEADYE[Asp1440Gly]DFLEYDQEHI